The following is an entry in ClinVar:

ClinVar aggregate classification (germline): Uncertain significance. Review status: criteria provided, multiple submitters, no conflicts (2 of 4 stars). 3 submissions from 3 submitters: Uncertain significance (3). Last evaluated 2022-02-25.

Conditions:
Familial colorectal cancer type X. Identifiers: Orphanet 440437, MedGen C3896578, MONDO:0018604.
Polymerase proofreading-related adenomatous polyposis. Also called: Polymerase proofreading associated polyposis; Polymerase proofreading–associated polyposis (PPAP). Identifiers: Orphanet 447877, MedGen C5202613, MONDO:0018653.
Hereditary cancer-predisposing syndrome. Also called: Hereditary neoplastic syndrome; Tumor predisposition; Neoplastic Syndromes, Hereditary; Hereditary Cancer Syndrome. Identifiers: Orphanet 140162, MedGen C0027672, MeSH D009386, MONDO:0015356.

Allele frequency attached by ClinVar (database versions not stated): gnomAD exomes below 0.00001.
gnomAD v4.1: 1 of 1,613,578 alleles (0.000062%); highest among the groups gnomAD compares: East Asian, 0.0022%; no homozygotes.

Submissions (3):

Labcorp Genetics (formerly Invitae), Labcorp
Classification: Uncertain significance. Last evaluated: 2022-02-25. Review status: criteria provided, single submitter. Criteria: Invitae Variant Classification Sherloc (09022015). Collection method: clinical testing. Allele origin: germline.
Comment: In summary, the available evidence is currently insufficient to determine the role of this variant in disease. Therefore, it has been classified as a Variant of Uncertain Significance. Algorithms developed to predict the effect of missense changes on protein structure and function (SIFT, PolyPhen-2, Align-GVGD) all suggest that this variant is likely to be tolerated. This variant has not been reported in the literature in individuals affected with POLE-related conditions. This variant is present in population databases (no rsID available, gnomAD 0.006%). This sequence change replaces threonine, which is neutral and polar, with serine, which is neutral and polar, at codon 1322 of the POLE protein (p.Thr1322Ser).

Ambry Genetics
Classification: Uncertain significance for Hereditary cancer-predisposing syndrome. Last evaluated: 2021-10-14. Review status: criteria provided, single submitter. Criteria: Ambry Variant Classification Scheme 2023. Collection method: clinical testing. Allele origin: germline.
Comment: The p.T1322S variant (also known as c.3964A>T), located in coding exon 31 of the POLE gene, results from an A to T substitution at nucleotide position 3964. The threonine at codon 1322 is replaced by serine, an amino acid with similar properties. This amino acid position is conserved. In addition, this alteration is predicted to be tolerated by in silico analysis. Since supporting evidence is limited at this time, the clinical significance of this alteration remains unclear.

Department of Pathology and Laboratory Medicine, Sinai Health System
Classification: Uncertain significance for Polymerase proofreading-related adenomatous polyposis; Familial colorectal cancer type X. Last evaluated: 2020-02-10. Review status: criteria provided, single submitter. Criteria: ACMG Guidelines, 2015. Collection method: clinical testing. Allele origin: germline. Affected: yes.

NM_006231.4(POLE):c.3964A>T (p.Thr1322Ser)

Gene: POLE (DNA polymerase epsilon, catalytic subunit; minus strand). Cytogenetic location: 12q24.33.
Variant type: single nucleotide variant.
Coding change: c.3964A>T on transcript NM_006231.4 (MANE Select); coding-DNA position 3964, A replaced by T.
Protein change: p.Thr1322Ser; replaces threonine 1322 with serine.
Molecular consequence: missense variant.
Genome position (GRCh38, 1-based): chr12:132,649,347, T>A on the plus strand (A>T on the coding strand, the complement: POLE is on the minus strand). VCF-style: chr12-132649347-T-A. GRCh37 (hg19) VCF-style: chr12-133225933-T-A.
Other names: c.3964A>T (NM_006231.3); short protein forms T1322S.
Identifiers: ClinVar variation 1347272 (VCV001347272.11), dbSNP rs1341107064, ClinGen allele CA387384849.